The following is an entry in ClinVar:

NM_000163.5(GHR):c.334T>C (p.Cys112Arg)

Gene: GHR (growth hormone receptor; plus strand). Cytogenetic location: 5p12.
Variant type: single nucleotide variant.
Coding change: c.334T>C on transcript NM_000163.5 (MANE Select); coding-DNA position 334, T replaced by C.
Protein change: p.Cys112Arg; replaces cysteine 112 with arginine.
Molecular consequence: missense variant.
Genome position (GRCh38, 1-based): chr5:42,694,984, T>C. VCF-style: chr5-42694984-T-C. GRCh37 (hg19) VCF-style: chr5-42695086-T-C.
Other names: c.355T>C, p.Cys119Arg (NM_001242399.2); c.334T>C, p.Cys112Arg (NM_001242400.2, NM_001242401.4, NM_001242402.2 and 5 more transcripts); c.268T>C, p.Cys90Arg (NM_001242460.2); short protein forms C119R, C112R, C90R.
Identifiers: ClinVar variation 4760762 (VCV004760762.1).
Genomic context (GRCh38, chr5:42,694,984, plus strand): 5'-CAAGAATGGACTCAAGAATGGAAAGAATGCCCTGATTATGTTTCTGCTGGGGAAAACAGC[T>C]GTTACTTTAATTCATCGTTTACCTCCATCTGGATACCTTATTGTATCAAGCTAACTAGCA-3'
Protein context (NP_000154.1, residues 102-122): PDYVSAGENS[Cys112Arg]YFNSSFTSIW

ClinVar aggregate classification (germline): Likely pathogenic (1 of 4 stars; one submission).

Submission:

Labcorp Genetics (formerly Invitae), Labcorp
Classification: Likely pathogenic. Last evaluated: 2026-01-13. Review status: criteria provided, single submitter. Criteria: Invitae Variant Classification Sherloc (09022015). Collection method: clinical testing. Allele origin: germline.
Comment: This sequence change replaces cysteine, which is neutral and slightly polar, with arginine, which is basic and polar, at codon 112 of the GHR protein (p.Cys112Arg). This variant is not present in population databases (gnomAD no frequency). This variant has not been reported in the literature in individuals affected with GHR-related conditions. Invitae Evidence Modeling of protein sequence and biophysical properties (such as structural, functional, and spatial information, amino acid conservation, physicochemical variation, residue mobility, and thermodynamic stability) indicates that this missense variant is expected to disrupt GHR protein function with a positive predictive value of 95%. This variant disrupts the p.Cys112 amino acid residue in GHR. Other variant(s) that disrupt this residue have been determined to be pathogenic (PMID: 17405847). This suggests that this residue is clinically significant, and that variants that disrupt this residue are likely to be disease-causing. In summary, the currently available evidence indicates that the variant is pathogenic, but additional data are needed to prove that conclusively. Therefore, this variant has been classified as Likely Pathogenic.

Literature cited by the submitters: PubMed 17405847.